The following is an entry in ClinVar:

ClinVar aggregate classification (germline): Benign/Likely benign. Review status: criteria provided, multiple submitters, no conflicts (2 of 4 stars). 2 submissions from 2 submitters: Benign (1); Likely benign (1). Last evaluated 2026-02-28.

Conditions:
Hereditary cancer-predisposing syndrome. Also called: Tumor predisposition; Hereditary Cancer Syndrome; Hereditary neoplastic syndrome; Neoplastic Syndromes, Hereditary. Identifiers: Orphanet 140162, MedGen C0027672, MeSH D009386, MONDO:0015356.
Familial cancer of breast. Also called: Hereditary breast cancer; hereditary breast carcinoma; BREAST CANCER, FAMILIAL. Identifiers: Orphanet 227535, MedGen C0346153, MONDO:0016419, OMIM 114480. Disease mechanism: loss of function.

gnomAD v4.1: 2 of 1,613,778 alleles (0.00012%); highest among the groups gnomAD compares: Non-Finnish European, 0.00017%; no homozygotes.

Submissions (2):

Ambry Genetics
Classification: Likely benign for Hereditary cancer-predisposing syndrome. Last evaluated: 2026-02-28. Review status: criteria provided, single submitter. Criteria: Ambry Variant Classification Scheme 2023. Collection method: clinical testing. Allele origin: germline.

Myriad Genetics, Inc.
Classification: Benign for Familial cancer of breast. Last evaluated: 2024-04-30. Review status: criteria provided, single submitter. Criteria: Myriad Autosomal Dominant, Autosomal Recessive and X-Linked Classification Criteria (2023). Collection method: clinical testing. Allele origin: unknown.
Comment: This variant is considered benign. This variant is a silent/synonymous amino acid change and it is not expected to impact splicing.

NM_000051.4(ATM):c.1641C>T (p.Thr547=)

Gene: ATM (ATM serine/threonine kinase; plus strand). Cytogenetic location: 11q22.3.
Variant type: single nucleotide variant.
Coding change: c.1641C>T on transcript NM_000051.4 (MANE Select); coding-DNA position 1641, C replaced by T.
Protein change: p.Thr547=; no amino-acid change (threonine 547 retained).
Molecular consequence: synonymous variant.
Genome position (GRCh38, 1-based): chr11:108,251,870, C>T. VCF-style: chr11-108251870-C-T. GRCh37 (hg19) VCF-style: chr11-108122597-C-T.
Other names: c.1641C>T, p.Thr547= (NM_001351834.2).
Identifiers: ClinVar variation 3253992 (VCV003253992.2), dbSNP rs864622141.